The following is an entry in ClinVar:

NM_007294.4(BRCA1):c.5579A>C (p.His1860Pro)

Gene: BRCA1 (BRCA1 DNA repair associated; minus strand). Cytogenetic location: 17q21.31.
Variant type: single nucleotide variant.
Coding change: c.5579A>C on transcript NM_007294.4 (MANE Select); coding-DNA position 5579, A replaced by C.
Protein change: p.His1860Pro; replaces histidine 1860 with proline.
Molecular consequence: missense variant. On other transcripts: 3 prime UTR variant (1), non-coding transcript variant (1).
Genome position (GRCh38, 1-based): chr17:43,045,691, T>G on the plus strand (A>C on the coding strand, the complement: BRCA1 is on the minus strand). VCF-style: chr17-43045691-T-G. GRCh37 (hg19) VCF-style: chr17-41197708-T-G.
Other names: c.2006A>C, p.His669Pro (NM_001408498.1, NM_001408499.1, NM_001408500.1 and 3 more transcripts); c.2003A>C, p.His668Pro (NM_001408502.1, NM_001408503.1, NM_001408504.1); c.2000A>C, p.His667Pro (NM_001408505.1); c.1943A>C, p.His648Pro (NM_001408506.1); c.1940A>C, p.His647Pro (NM_001408507.1); c.1931A>C, p.His644Pro (NM_001408508.1); c.1928A>C, p.His643Pro (NM_001408509.1); c.1889A>C, p.His630Pro (NM_001408510.1); and 74 more; short protein forms H1860P, H1881P, H756P, H1813P, H1748P, H1771P, H1789P, H1812P.
Identifiers: ClinVar variation 41833 (VCV000041833.3), dbSNP rs201196020, ClinGen allele CA003731.

ClinVar aggregate classification (germline): Benign (0 of 4 stars; one submission).

Allele frequency attached by ClinVar (database versions not stated): ExAC 0.03473.

Submission:

Biesecker Lab/Clinical Genomics Section, National Institutes of Health
Classification: Benign. Last evaluated: 2012-07-13. Review status: no assertion criteria provided. Collection method: research. Allele origin: germline. Affected: no. Observed: 46 variant alleles. Study: ClinSeq.
ClinVar note: Converted during submission from no known pathogenicity to Benign.